The following is an entry in ClinVar:

NM_007294.4(BRCA1):c.4996T>G (p.Tyr1666Asp)

Gene: BRCA1 (BRCA1 DNA repair associated; minus strand). Cytogenetic location: 17q21.31.
Variant type: single nucleotide variant.
Coding change: c.4996T>G on transcript NM_007294.4 (MANE Select); coding-DNA position 4996, T replaced by G.
Protein change: p.Tyr1666Asp; replaces tyrosine 1666 with aspartic acid.
Molecular consequence: missense variant. On other transcripts: non-coding transcript variant (1).
Genome position (GRCh38, 1-based): chr17:43,067,686, A>C on the plus strand (T>G on the coding strand, the complement: BRCA1 is on the minus strand). VCF-style: chr17-43067686-A-C. GRCh37 (hg19) VCF-style: chr17-41219703-A-C.
Other names: c.4783T>G, p.Tyr1595Asp (NM_001407571.1, NM_001407894.1, NM_001407895.1 and 12 more transcripts); c.5062T>G, p.Tyr1688Asp (NM_001407581.1, NM_001407582.1); c.5059T>G, p.Tyr1687Asp (NM_001407583.1, NM_001407585.1, NM_001407587.1 and 1 more transcripts); c.5056T>G, p.Tyr1686Asp (NM_001407590.1, NM_001407591.1); c.4996T>G, p.Tyr1666Asp (NM_001407593.1, NM_001407594.1, NM_001407596.1 and 8 more transcripts); c.4993T>G, p.Tyr1665Asp (NM_001407610.1, NM_001407621.1, NM_001407622.1 and 17 more transcripts); c.4990T>G, p.Tyr1664Asp (NM_001407627.1, NM_001407628.1, NM_001407629.1 and 14 more transcripts); c.4987T>G, p.Tyr1663Asp (NM_001407644.1, NM_001407645.1); and 70 more; short protein forms Y1619D, Y1687D, Y562D, Y1666D, Y1370D, Y1554D, Y1578D, Y1596D.
Identifiers: ClinVar variation 865513 (VCV000865513.3), dbSNP rs397509215, ClinGen allele CA10591527.

Conditions:
Breast-ovarian cancer, familial, susceptibility to, 1 (BROVCA1). Also called: BRCA1 Hereditary Breast and Ovarian Cancer; OVARIAN CANCER, SUSCEPTIBILITY TO. Identifiers: Orphanet 145, MedGen C2676676, MONDO:0011450, OMIM 604370. Disease mechanism: loss of function.

Submission:

Brotman Baty Institute, University of Washington
No classification provided (evidence only). Condition: Breast-ovarian cancer, familial 1. Review status: no classification provided. Collection method: in vitro. Allele origin: not applicable. Functional consequence: functionally_normal.
ClinVar note: "not provided" was previously submitted as the classification for the variant. However, the classification appeared to be based only on an observation of functional data so it was converted to no classification on 2025-07-30.